The following is an entry in ClinVar:

ClinVar aggregate classification (germline): Pathogenic (1 of 4 stars; one submission).

Conditions:
Kabuki syndrome 1 (KABUK1). Also called: KMT2D-Related Kabuki Syndrome. Identifiers: Orphanet 2322, MedGen CN030661, MONDO:0007843, OMIM 147920.

Submission:

Baylor Genetics
Classification: Pathogenic for Kabuki syndrome 1. Last evaluated: 2019-06-05. Review status: criteria provided, single submitter. Criteria: ACMG Guidelines, 2015. Collection method: clinical testing. Allele origin: unknown. Affected: yes.
Comment: This variant was determined to be pathogenic according to ACMG Guidelines, 2015 [PMID:25741868].

NM_003482.4(KMT2D):c.10688dup (p.Leu3564fs)

Gene: KMT2D (lysine methyltransferase 2D; minus strand). Cytogenetic location: 12q13.12.
Variant type: Duplication.
Coding change: c.10688dup on transcript NM_003482.4 (MANE Select); coding-DNA position 10688, one base duplicated (A; older notation c.10688dupA).
Protein change: p.Leu3564fs; shifts the reading frame from leucine 3564.
Molecular consequence: frameshift variant.
Genome position (GRCh38, 1-based): chr12:49,034,119, T duplicated on the plus strand (A on the coding strand, the reverse complement: KMT2D is on the minus strand); the first of 2 consecutive T bases (chr12:49,034,119-49,034,120); duplicating either gives the same sequence. VCF-style (leftmost placement, unchanged base first): chr12-49034118-C-CT. GRCh37 (hg19) VCF-style: chr12-49427901-C-CT.
Other names: short protein forms L3564fs.
Identifiers: ClinVar variation 1030668 (VCV001030668.1), dbSNP rs1943096023, ClinGen allele CA2034949976.